The following is an entry in ClinVar:

NM_021942.6(TRAPPC11):c.1637G>A (p.Ser546Asn)

Gene: TRAPPC11 (trafficking protein particle complex subunit 11; plus strand). Cytogenetic location: 4q35.1.
Variant type: single nucleotide variant.
Coding change: c.1637G>A on transcript NM_021942.6 (MANE Select); coding-DNA position 1637, G replaced by A.
Protein change: p.Ser546Asn; replaces serine 546 with asparagine.
Molecular consequence: missense variant.
Genome position (GRCh38, 1-based): chr4:183,685,278, G>A. VCF-style: chr4-183685278-G-A. GRCh37 (hg19) VCF-style: chr4-184606431-G-A.
Other names: c.1637G>A, p.Ser546Asn (NM_199053.3); short protein forms S546N.
Identifiers: ClinVar variation 2141829 (VCV002141829.4), dbSNP rs763452516, ClinGen allele CA3151991.

ClinVar aggregate classification (germline): Uncertain significance (1 of 4 stars; one submission).

Conditions:
Autosomal recessive limb-girdle muscular dystrophy type R18 (LGMDR18). Also called: Limb-girdle muscular dystrophy, type 2S; MUSCULAR DYSTROPHY, LIMB-GIRDLE, AUTOSOMAL RECESSIVE 18; Autosomal recessive limb-girdle muscular dystrophy type 2S. Identifiers: Orphanet 369840, MedGen C4517996, MONDO:0014144, OMIM 615356.

Allele frequency attached by ClinVar (database versions not stated): gnomAD exomes below 0.00001; ExAC 0.00001; gnomAD 0.00001; TOPMed 0.00001.
gnomAD v4.1: 6 of 1,613,424 alleles (0.00037%); highest among the groups gnomAD compares: African/African-American, 0.0013%; no homozygotes.

Submission:

Labcorp Genetics (formerly Invitae), Labcorp
Classification: Uncertain significance for Autosomal recessive limb-girdle muscular dystrophy type R18. Last evaluated: 2022-07-15. Review status: criteria provided, single submitter. Criteria: Invitae Variant Classification Sherloc (09022015). Collection method: clinical testing. Allele origin: germline.
Comment: In summary, the available evidence is currently insufficient to determine the role of this variant in disease. Therefore, it has been classified as a Variant of Uncertain Significance. Algorithms developed to predict the effect of missense changes on protein structure and function output the following: SIFT: "Tolerated"; PolyPhen-2: "Benign"; Align-GVGD: "Class C0". The asparagine amino acid residue is found in multiple mammalian species, which suggests that this missense change does not adversely affect protein function. This variant has not been reported in the literature in individuals affected with TRAPPC11-related conditions. This variant is present in population databases (rs763452516, gnomAD 0.0009%). This sequence change replaces serine, which is neutral and polar, with asparagine, which is neutral and polar, at codon 546 of the TRAPPC11 protein (p.Ser546Asn).